The following continues an entry in ClinVar:

NM_005120.3(MED12):c.2881C>T (p.Arg961Trp)

Gene: MED12. ClinVar aggregate classification (germline): Pathogenic/Likely pathogenic. Pathogenic (13); Likely pathogenic (1).

Submissions 14 to 20 of 20:

Baylor Genetics
Classification: Pathogenic for FG syndrome 1. Last evaluated: 2017-09-01. Review status: criteria provided, single submitter. Criteria: ACMG Guidelines, 2015. Collection method: clinical testing. Allele origin: de novo. Inheritance: X-linked inheritance. Affected: yes.

Solve-RD Consortium
Classification: Likely pathogenic for Blepharophimosis - intellectual disability syndrome, MKB type. Last evaluated: 2022-06-01. Review status: no assertion criteria provided. Collection method: provider interpretation. Allele origin: inherited. Affected: yes. Not counted in ClinVar's aggregate classification.
Comment: Variant confirmed as disease-causing by referring clinical team

Variant identified during reanalysis of unsolved cases by the Solve-RD project. The Solve-RD project has received funding from the European Union’s Horizon 2020 research and innovation programme under grant agreement No 779257.

Centre for Mendelian Genomics, University Medical Centre Ljubljana
Classification: Pathogenic for Abnormal facial shape; Corpus callosum, agenesis of; Imperforate anus; Broad thumb; Global developmental delay; Intellectual disability. Last evaluated: 2016-01-27. Review status: no assertion criteria provided. Collection method: clinical testing. Allele origin: unknown. Affected: yes. Not counted in ClinVar's aggregate classification.

OMIM
Classification: Pathogenic for OPITZ-KAVEGGIA SYNDROME. Last evaluated: 2008-08-08. Review status: no assertion criteria provided. Collection method: literature only. Allele origin: germline. Not counted in ClinVar's aggregate classification.

Diagnostic Laboratory, Department of Genetics, University Medical Center Groningen
Classification: Pathogenic. Review status: no assertion criteria provided. Collection method: clinical testing. Allele origin: germline. Affected: yes. Study: VKGL Data-share Consensus. Not counted in ClinVar's aggregate classification.

GeneReviews
No classification provided. Condition: FG syndrome. Review status: no classification provided. Collection method: literature only. Allele origin: germline. Not counted in ClinVar's aggregate classification.
Comment: Most common pathogenic variant in persons with FG syndrome type 1

Joint Genome Diagnostic Labs from Nijmegen and Maastricht, Radboudumc and MUMC+
Classification: Pathogenic. Review status: no assertion criteria provided. Collection method: clinical testing. Allele origin: germline. Affected: yes. Study: VKGL Data-share Consensus. Not counted in ClinVar's aggregate classification.

Literature cited by the submitters: PubMed 23091001 (cited by 4 submitters); PubMed 28369444 (cited by 3 submitters); PubMed 17334363 (cited by 7 submitters); PubMed 36271811 (cited by Dasa); PubMed 19938245 (cited by 5 submitters); PubMed 18805826 (cited by Labcorp Genetics (formerly Invitae), Labcorp and Ambry Genetics); PubMed 10405444 (cited by Ambry Genetics); PubMed 18973276 (cited by Ambry Genetics); PubMed 20981778 (cited by Baylor Genetics); PubMed 26350204 (cited by Baylor Genetics); PubMed 25326635 (cited by Baylor Genetics); PubMed 39825153 (cited by Solve-RD Consortium); PubMed 18691967 (cited by OMIM); PubMed 20301719 (cited by GeneReviews).